The following is an entry in ClinVar:

ClinVar aggregate classification (germline): Uncertain significance. Review status: criteria provided, multiple submitters, no conflicts (2 of 4 stars). 2 submissions from 2 submitters: Uncertain significance (2). Last evaluated 2025-08-18.

Allele frequency attached by ClinVar (database versions not stated): gnomAD 0.00001; ESP Exome Variant Server 0.00008; ExAC 0.00003; TOPMed 0.00005.
gnomAD v4.1: 34 of 1,608,636 alleles (0.0021%); highest among the groups gnomAD compares: South Asian, 0.0033%; no homozygotes.

Submissions (2):

Labcorp Genetics (formerly Invitae), Labcorp
Classification: Uncertain significance. Last evaluated: 2025-08-18. Review status: criteria provided, single submitter. Criteria: Invitae Variant Classification Sherloc (09022015). Collection method: clinical testing. Allele origin: germline.
Comment: This sequence change replaces arginine, which is basic and polar, with cysteine, which is neutral and slightly polar, at codon 456 of the LZTS1 protein (p.Arg456Cys). This variant is present in population databases (rs148913959, gnomAD 0.003%). This variant has not been reported in the literature in individuals affected with LZTS1-related conditions. ClinVar contains an entry for this variant (Variation ID: 2908245). Invitae Evidence Modeling of protein sequence and biophysical properties (such as structural, functional, and spatial information, amino acid conservation, physicochemical variation, residue mobility, and thermodynamic stability) indicates that this missense variant is expected to disrupt LZTS1 protein function with a positive predictive value of 80%. In summary, the available evidence is currently insufficient to determine the role of this variant in disease. Therefore, it has been classified as a Variant of Uncertain Significance.

Ambry Genetics
Classification: Uncertain significance. Last evaluated: 2023-12-09. Review status: criteria provided, single submitter. Criteria: Ambry Variant Classification Scheme 2023. Collection method: clinical testing. Allele origin: germline.

NM_021020.5(LZTS1):c.1366C>T (p.Arg456Cys)

Gene: LZTS1 (leucine zipper tumor suppressor 1; minus strand). Cytogenetic location: 8p21.3.
Variant type: single nucleotide variant.
Coding change: c.1366C>T on transcript NM_021020.5 (MANE Select); coding-DNA position 1366, C replaced by T.
Protein change: p.Arg456Cys; replaces arginine 456 with cysteine.
Molecular consequence: missense variant.
Genome position (GRCh38, 1-based): chr8:20,250,147, G>A on the plus strand (C>T on the coding strand, the complement: LZTS1 is on the minus strand). VCF-style: chr8-20250147-G-A. GRCh37 (hg19) VCF-style: chr8-20107658-G-A.
Other names: c.1366C>T, p.Arg456Cys (NM_001362884.2); c.1366C>T (NM_021020.2); short protein forms R456C.
Identifiers: ClinVar variation 2908245 (VCV002908245.4), dbSNP rs148913959, ClinGen allele CA4657292.